The following is an entry in ClinVar:

ClinVar aggregate classification (germline): Pathogenic (1 of 4 stars; one submission).

Conditions:
Brown-Vialetto-van Laere syndrome 1. Also called: BROWN-VIALETTO-VAN LAERE SYNDROME 1, MILD; BULBAR PALSY, PROGRESSIVE, WITH SENSORINEURAL DEAFNESS; PONTOBULBAR PALSY WITH DEAFNESS. Identifiers: Orphanet 572550, Orphanet 97229, MedGen C0796274, MONDO:0024537, OMIM 211530.

Submission:

Labcorp Genetics (formerly Invitae), Labcorp
Classification: Pathogenic for Brown-Vialetto-Van Laere syndrome 1. Last evaluated: 2018-07-20. Review status: criteria provided, single submitter. Criteria: Invitae Variant Classification Sherloc (09022015). Collection method: clinical testing. Allele origin: germline.
Comment: A gross deletion of the genomic region encompassing the full coding sequence of the SLC52A3 gene has been identified. The boundaries of this event are unknown as the deletion extends beyond the assayed region for this gene and therefore may encompass additional genes. This variant has not been reported in the literature in individuals with SLC52A3-related disease. Loss-of-function variants in SLC52A3 are known to be pathogenic (PMID: 20206331, 22824638, 25462087). For these reasons, this variant has been classified as Pathogenic.

NC_000020.11:g.(?_761006)_(765794_?)del

Gene: SLC52A3 (solute carrier family 52 member 3; minus strand). Cytogenetic location: 20p13.
Variant type: Deletion.
Identifiers: ClinVar variation 640455 (VCV000640455.1).